The following is an entry in ClinVar:

ClinVar aggregate classification (germline): Uncertain significance (1 of 4 stars; one submission).

Allele frequency attached by ClinVar (database versions not stated): gnomAD exomes 0.00001.
gnomAD v4.1: 8 of 1,613,802 alleles (0.0005%); highest among the groups gnomAD compares: East Asian, 0.0022%; no homozygotes.

Submission:

Labcorp Genetics (formerly Invitae), Labcorp
Classification: Uncertain significance. Last evaluated: 2025-12-29. Review status: criteria provided, single submitter. Criteria: Invitae Variant Classification Sherloc (09022015). Collection method: clinical testing. Allele origin: germline.
Comment: This sequence change affects codon 1001 of the COL2A1 mRNA. It is a 'silent' change, meaning that it does not change the encoded amino acid sequence of the COL2A1 protein. This variant also falls at the last nucleotide of exon 43, which is part of the consensus splice site for this exon. This variant is not present in population databases (gnomAD no frequency). This variant has not been reported in the literature in individuals affected with COL2A1-related conditions. ClinVar contains an entry for this variant (Variation ID: 2802507). Variants that disrupt the consensus splice site are a relatively common cause of aberrant splicing (PMID: 17576681, 9536098). Algorithms developed to predict the effect of sequence changes on RNA splicing suggest that this variant may disrupt the consensus splice site. In summary, the available evidence is currently insufficient to determine the role of this variant in disease. Therefore, it has been classified as a Variant of Uncertain Significance.

Literature cited by the submitters: PubMed 17576681; PubMed 9536098.

NM_001844.5(COL2A1):c.3003G>A (p.Ser1001=)

Gene: COL2A1 (collagen type II alpha 1 chain; minus strand). Cytogenetic location: 12q13.11.
Variant type: single nucleotide variant.
Coding change: c.3003G>A on transcript NM_001844.5 (MANE Select); coding-DNA position 3003, G replaced by A.
Protein change: p.Ser1001=; no amino-acid change (serine 1001 retained).
Molecular consequence: synonymous variant.
Genome position (GRCh38, 1-based): chr12:47,978,291, C>T on the plus strand (G>A on the coding strand, the complement: COL2A1 is on the minus strand). VCF-style: chr12-47978291-C-T. GRCh37 (hg19) VCF-style: chr12-48372074-C-T.
Other names: c.2796G>A, p.Ser932= (NM_033150.3).
Identifiers: ClinVar variation 2802507 (VCV002802507.3), dbSNP rs1938838060, ClinGen allele CA479696632.